The following is an entry in ClinVar:

NM_016333.4(SRRM2):c.6181A>G (p.Thr2061Ala)

Gene: SRRM2 (serine/arginine repetitive matrix 2; plus strand). Cytogenetic location: 16p13.3.
Variant type: single nucleotide variant.
Coding change: c.6181A>G on transcript NM_016333.4 (MANE Select); coding-DNA position 6181, A replaced by G.
Protein change: p.Thr2061Ala; replaces threonine 2061 with alanine.
Molecular consequence: missense variant.
Genome position (GRCh38, 1-based): chr16:2,766,709, A>G. VCF-style: chr16-2766709-A-G. GRCh37 (hg19) VCF-style: chr16-2816710-A-G.
Other names: c.6181A>G (NM_016333.3); short protein forms T2061A.
Identifiers: ClinVar variation 2122309 (VCV002122309.5), dbSNP rs1388197341, ClinGen allele CA394425290.

ClinVar aggregate classification (germline): Conflicting classifications of pathogenicity. Review status: criteria provided, conflicting classifications (1 of 4 stars). 2 submissions from 2 submitters: Uncertain significance (1); Likely benign (1). Last evaluated 2025-08-12.

Conditions:
Inborn genetic diseases. Identifiers: MedGen C0950123, MeSH D030342.

Allele frequency attached by ClinVar (database versions not stated): gnomAD exomes below 0.00001; TOPMed below 0.00001; gnomAD 0.00001.
gnomAD v4.1: 3 of 1,614,062 alleles (0.00019%); highest among the groups gnomAD compares: South Asian, 0.0011%; no homozygotes.

Submissions (2):

Ambry Genetics
Classification: Likely benign for Inborn genetic diseases. Last evaluated: 2025-08-12. Review status: criteria provided, single submitter. Criteria: Ambry Variant Classification Scheme 2023. Collection method: clinical testing. Allele origin: germline.

Labcorp Genetics (formerly Invitae), Labcorp
Classification: Uncertain significance. Last evaluated: 2022-10-07. Review status: criteria provided, single submitter. Criteria: Invitae Variant Classification Sherloc (09022015). Collection method: clinical testing. Allele origin: germline.
Comment: In summary, the available evidence is currently insufficient to determine the role of this variant in disease. Therefore, it has been classified as a Variant of Uncertain Significance. This sequence change replaces threonine, which is neutral and polar, with alanine, which is neutral and non-polar, at codon 2061 of the SRRM2 protein (p.Thr2061Ala). Algorithms developed to predict the effect of missense changes on protein structure and function output the following: SIFT: "Tolerated"; PolyPhen-2: "Not Available"; Align-GVGD: "Class C0". The alanine amino acid residue is found in multiple mammalian species, which suggests that this missense change does not adversely affect protein function. This variant has not been reported in the literature in individuals affected with SRRM2-related conditions. This variant is not present in population databases (gnomAD no frequency).